The following is an entry in ClinVar:

ClinVar aggregate classification (germline): Uncertain significance. Review status: criteria provided, multiple submitters, no conflicts (2 of 4 stars). 3 submissions from 3 submitters: Uncertain significance (2). 1 of the submissions does not count toward it. Last evaluated 2025-12-16.

Conditions:
Prostate cancer, hereditary, 1 (HPC1). Identifiers: Orphanet 1331, MedGen C4722327, MONDO:0011098, OMIM 601518.
Hereditary cancer-predisposing syndrome. Also called: Neoplastic Syndromes, Hereditary; Tumor predisposition; Hereditary neoplastic syndrome; Hereditary Cancer Syndrome. Identifiers: Orphanet 140162, MedGen C0027672, MeSH D009386, MONDO:0015356.

Submissions (3):

Labcorp Genetics (formerly Invitae), Labcorp
Classification: Uncertain significance. Last evaluated: 2025-12-16. Review status: criteria provided, single submitter. Criteria: Invitae Variant Classification Sherloc (09022015). Collection method: clinical testing. Allele origin: germline.
Comment: This sequence change replaces threonine, which is neutral and polar, with asparagine, which is neutral and polar, at codon 242 of the HOXB13 protein (p.Thr242Asn). This variant is not present in population databases (gnomAD no frequency). This variant has not been reported in the literature in individuals affected with HOXB13-related conditions. ClinVar contains an entry for this variant (Variation ID: 691164). Invitae Evidence Modeling of protein sequence and biophysical properties (such as structural, functional, and spatial information, amino acid conservation, physicochemical variation, residue mobility, and thermodynamic stability) indicates that this missense variant is not expected to disrupt HOXB13 protein function with a negative predictive value of 80%. In summary, the available evidence is currently insufficient to determine the role of this variant in disease. Therefore, it has been classified as a Variant of Uncertain Significance.

Ambry Genetics
Classification: Uncertain significance for Hereditary cancer-predisposing syndrome. Last evaluated: 2024-12-29. Review status: criteria provided, single submitter. Criteria: Ambry Variant Classification Scheme 2023. Collection method: clinical testing. Allele origin: germline.
Comment: The p.T242N variant (also known as c.725C>A), located in coding exon 2 of the HOXB13 gene, results from a C to A substitution at nucleotide position 725. The threonine at codon 242 is replaced by asparagine, an amino acid with similar properties. This amino acid position is conserved. In addition, the in silico prediction for this alteration is inconclusive. Based on the available evidence, the clinical significance of this variant remains unclear.

Laboratory of Virology, Microbiology,  Quality and Medical Biotechnologies, Faculty of Sciences and Techniques - Mohammedia, Hassan II University of Casablanca
Classification: Uncertain significance for Prostate cancer, hereditary, 1. Review status: no assertion criteria provided. Collection method: clinical testing. Allele origin: somatic. Affected: yes. Not counted in ClinVar's aggregate classification.

NM_006361.6(HOXB13):c.725C>A (p.Thr242Asn)

Gene: HOXB13 (homeobox B13; minus strand). Cytogenetic location: 17q21.32.
Variant type: single nucleotide variant.
Coding change: c.725C>A on transcript NM_006361.6 (MANE Select); coding-DNA position 725, C replaced by A.
Protein change: p.Thr242Asn; replaces threonine 242 with asparagine.
Molecular consequence: missense variant.
Genome position (GRCh38, 1-based): chr17:48,726,920, G>T on the plus strand (C>A on the coding strand, the complement: HOXB13 is on the minus strand). VCF-style: chr17-48726920-G-T. GRCh37 (hg19) VCF-style: chr17-46804282-G-T.
Other names: short protein forms T242N.
Identifiers: ClinVar variation 691164 (VCV000691164.5), dbSNP rs1254153147, ClinGen allele CA400106283.
Genomic context (GRCh38, chr17:48,726,920, plus strand): 5'-ATGGTAATCTGGCGCTCCGAGAGGCTGGTGGCTGCCGAGATCTTGCGCCTCTTGTCCTTG[G>T]TGATGAACTTGTTAGCCGCATACTCCCGCTCCAGCTCCCGCAACTGCCCCTTGCTGTACG-3'
Protein context (NP_006352.2, residues 232-252): EREYAANKFI[Thr242Asn]KDKRRKISAA